The following is an entry in ClinVar:

NM_017780.4(CHD7):c.7901A>G (p.Asn2634Ser)

Gene: CHD7 (chromodomain helicase DNA binding protein 7; plus strand). Cytogenetic location: 8q12.2.
Variant type: single nucleotide variant.
Coding change: c.7901A>G on transcript NM_017780.4 (MANE Select); coding-DNA position 7901, A replaced by G.
Protein change: p.Asn2634Ser; replaces asparagine 2634 with serine.
Molecular consequence: missense variant.
Genome position (GRCh38, 1-based): chr8:60,862,266, A>G. VCF-style: chr8-60862266-A-G. GRCh37 (hg19) VCF-style: chr8-61774825-A-G.
Other names: c.1754A>G, p.Asn585Ser (NM_001316690.1); c.7901A>G (NM_017780.3); short protein forms N2634S, N585S.
Identifiers: ClinVar variation 1186518 (VCV001186518.10), dbSNP rs1012221437, ClinGen allele CA177326928.

ClinVar aggregate classification (germline): Conflicting classifications of pathogenicity. Review status: criteria provided, conflicting classifications (1 of 4 stars). 4 submissions from 4 submitters: Uncertain significance (2); Likely benign (2). Last evaluated 2026-04-23.

Conditions:
Inborn genetic diseases. Identifiers: MedGen C0950123, MeSH D030342.
CHARGE syndrome (CHARGE). Also called: Hittner Hirsch Kreh syndrome; CHARGE ASSOCIATION--COLOBOMA, HEART ANOMALY, CHOANAL ATRESIA, RETARDATION, GENITAL AND EAR ANOMALIES; Coloboma, heart anomaly, choanal atresia, retardation, genital and ear anomalies; CHARGE association; Hall-Hittner syndrome. Identifiers: Orphanet 138, MedGen C0265354, MONDO:0008965.
Hypogonadotropic hypogonadism 5 with or without anosmia (KAL5). Also called: HYPOGONADOTROPIC HYPOGONADISM 5 WITH ANOSMIA; HYPOGONADOTROPHIC HYPOGONADISM 5 WITHOUT ANOSMIA; CHD7-Related GnRH Deficiency (Kallmann Syndrome 5). Identifiers: Orphanet 478, MedGen C3552553, MONDO:0012880, OMIM 612370. Disease mechanism: loss of function.

Allele frequency attached by ClinVar (database versions not stated): gnomAD exomes 0.00001; gnomAD 0.00002; TOPMed 0.00015.
gnomAD v4.1: 10 of 1,611,582 alleles (0.00062%); highest among the groups gnomAD compares: Admixed American, 0.013%; no homozygotes.

Submissions (4):

Ambry Genetics
Classification: Likely benign for Inborn genetic diseases. Last evaluated: 2026-04-23. Review status: criteria provided, single submitter. Criteria: Ambry Variant Classification Scheme 2023. Collection method: clinical testing. Allele origin: germline.

Labcorp Genetics (formerly Invitae), Labcorp
Classification: Uncertain significance for CHARGE syndrome. Last evaluated: 2025-12-26. Review status: criteria provided, single submitter. Criteria: Invitae Variant Classification Sherloc (09022015). Collection method: clinical testing. Allele origin: germline.
Comment: This sequence change replaces asparagine, which is neutral and polar, with serine, which is neutral and polar, at codon 2634 of the CHD7 protein (p.Asn2634Ser). This variant is not present in population databases (gnomAD no frequency). This variant has not been reported in the literature in individuals affected with CHD7-related conditions. ClinVar contains an entry for this variant (Variation ID: 1186518). Invitae Evidence Modeling of protein sequence and biophysical properties (such as structural, functional, and spatial information, amino acid conservation, physicochemical variation, residue mobility, and thermodynamic stability) indicates that this missense variant is not expected to disrupt CHD7 protein function with a negative predictive value of 95%. In summary, the available evidence is currently insufficient to determine the role of this variant in disease. Therefore, it has been classified as a Variant of Uncertain Significance.

Fulgent Genetics
Classification: Uncertain significance for CHD7-related CHARGE syndrome; Hypogonadotropic hypogonadism 5 with or without anosmia. Last evaluated: 2024-02-14. Review status: criteria provided, single submitter. Criteria: ACMG Guidelines, 2015. Collection method: clinical testing. Allele origin: germline.

GeneDx
Classification: Likely benign. Last evaluated: 2020-12-14. Review status: criteria provided, single submitter. Criteria: GeneDx Variant Classification Process June 2021. Collection method: clinical testing. Allele origin: germline. Affected: yes.
Comment: Not observed in large population cohorts (Lek et al., 2016); In silico analysis, which includes protein predictors and evolutionary conservation, supports that this variant does not alter protein structure/function; Has not been previously published as pathogenic or benign to our knowledge